The following is an entry in ClinVar:

ClinVar aggregate classification (germline): Pathogenic (1 of 4 stars; one submission).

Conditions:
Peroxisome biogenesis disorder 2B (PBD2B). Identifiers: Orphanet 44, MedGen C3550234, MONDO:0008736, OMIM 202370.

Submission:

Labcorp Genetics (formerly Invitae), Labcorp
Classification: Pathogenic for Peroxisome biogenesis disorder 2B. Last evaluated: 2025-06-14. Review status: criteria provided, single submitter. Criteria: Invitae Variant Classification Sherloc (09022015). Collection method: clinical testing. Allele origin: germline.
Comment: This sequence change creates a premature translational stop signal (p.Gln221*) in the PEX5 gene. It is expected to result in an absent or disrupted protein product. Loss-of-function variants in PEX5 are known to be pathogenic (PMID: 18712838, 21031596). This variant is not present in population databases (gnomAD no frequency). This variant has not been reported in the literature in individuals affected with PEX5-related conditions. Algorithms developed to predict the effect of sequence changes on RNA splicing suggest that this variant may disrupt the consensus splice site. For these reasons, this variant has been classified as Pathogenic.

Literature cited by the submitters: PubMed 18712838; PubMed 21031596.

NM_001351132.2(PEX5):c.661C>T (p.Gln221Ter)

Gene: PEX5 (peroxisomal biogenesis factor 5; plus strand). Cytogenetic location: 12p13.31.
Variant type: single nucleotide variant.
Coding change: c.661C>T on transcript NM_001351132.2 (MANE Select); coding-DNA position 661, C replaced by T.
Protein change: p.Gln221Ter; replaces glutamine 221 with a stop codon.
Molecular consequence: nonsense. On other transcripts: intron variant (15).
Genome position (GRCh38, 1-based): chr12:7,202,259, C>T. VCF-style: chr12-7202259-C-T. GRCh37 (hg19) VCF-style: chr12-7354855-C-T.
Other names: c.661C>T, p.Gln221Ter (NM_000319.5, NM_001131025.2, NM_001131026.2 and 6 more transcripts); c.706C>T, p.Gln236Ter (NM_001131023.2); c.643-353C>T (NM_001351124.3, NM_001351126.2, NM_001374646.1 and 10 more transcripts); c.688-353C>T (NM_001351135.3, NM_001351138.2); short protein forms Q221*, Q236*.
Identifiers: ClinVar variation 4754990 (VCV004754990.1).